The following is an entry in ClinVar:

ClinVar aggregate classification (germline): Pathogenic (1 of 4 stars; one submission).

Conditions:
Neuroocular syndrome 1 (NOC1). Identifiers: Orphanet 659904, MedGen C5925133, MONDO:0971007, OMIM 619539.

Submission:

Genetics Laboratory, UDIAT-Centre Diagnòstic, Hospital Universitari Parc Tauli
Classification: Pathogenic for neuroocular syndrome 1. Last evaluated: 2023-10-17. Review status: criteria provided, single submitter. Criteria: ACMG Guidelines, 2015. Collection method: clinical testing. Allele origin: unknown. Inheritance: Autosomal dominant inheritance. Affected: yes.
Comment: PVS1_very strong;PM2_supporting;PM6_moderate

NM_020719.3(PRR12):c.3073_3079del (p.Glu1025fs)

Gene: PRR12 (proline rich 12; plus strand). Cytogenetic location: 19q13.33.
Variant type: Deletion.
Coding change: c.3073_3079del on transcript NM_020719.3 (MANE Select); coding-DNA positions 3073 to 3079, 7 bases deleted (GAGCCGC; older notation c.3073_3079delGAGCCGC).
Protein change: p.Glu1025fs; shifts the reading frame from glutamic acid 1025.
Molecular consequence: frameshift variant.
Genome position (GRCh38, 1-based): chr19:49,597,408-49,597,414, GAGCCGC deleted; deleting any 7 consecutive bases within chr19:49,597,407-49,597,414 gives the same sequence; the c. name uses the placement nearest the transcript's 3' end. VCF-style (leftmost placement, unchanged base first): chr19-49597406-CCGAGCCG-C. GRCh37 (hg19) VCF-style: chr19-50100663-CCGAGCCG-C.
Other names: short protein forms E1025fs.
Identifiers: ClinVar variation 3897600 (VCV003897600.1).